The following is an entry in ClinVar:

NM_004522.3(KIF5C):c.2652G>A (p.Lys884=)

Gene: KIF5C (kinesin family member 5C; plus strand). Cytogenetic location: 2q23.2.
Variant type: single nucleotide variant.
Coding change: c.2652G>A on transcript NM_004522.3 (MANE Select); coding-DNA position 2652, G replaced by A.
Protein change: p.Lys884=; no amino-acid change (lysine 884 retained).
Molecular consequence: synonymous variant. On other transcripts: non-coding transcript variant (1).
Genome position (GRCh38, 1-based): chr2:149,010,236, G>A. VCF-style: chr2-149010236-G-A. GRCh37 (hg19) VCF-style: chr2-149866750-G-A.
Identifiers: ClinVar variation 515722 (VCV000515722.1), dbSNP rs1553471853, ClinGen allele CA429226662.

ClinVar aggregate classification (germline): Likely benign (1 of 4 stars; one submission).

Submission:

GeneDx
Classification: Likely benign. Last evaluated: 2018-02-27. Review status: criteria provided, single submitter. Criteria: GeneDx Variant Classification (06012015). Collection method: clinical testing. Allele origin: germline. Affected: yes.
Comment: This variant is considered likely benign or benign based on one or more of the following criteria: it is a conservative change, it occurs at a poorly conserved position in the protein, it is predicted to be benign by multiple in silico algorithms, and/or has population frequency not consistent with disease.